The following is an entry in ClinVar:

ClinVar aggregate classification (germline): Benign/Likely benign. Review status: criteria provided, multiple submitters, no conflicts (2 of 4 stars). 3 submissions from 3 submitters: Benign (1); Likely benign (2). Last evaluated 2025-12-16.

Conditions:
Dilated cardiomyopathy 1II (CMD1II). Identifiers: Orphanet 154, MedGen C3554649, MONDO:0014073, OMIM 615184.
Myofibrillar myopathy 2. Also called: MYOPATHY, DESMIN-RELATED, ASSOCIATED WITH MUTATION IN THE CRYAB GENE; MYOPATHY, MYOFIBRILLAR, ALPHA-B CRYSTALLIN-RELATED; MYOPATHY, MYOFIBRILLAR, 2A, ADULT-ONSET; MYOPATHY, MYOFIBRILLAR, WITH OR WITHOUT CATARACT AND/OR CARDIOMYOPATHY. Identifiers: Orphanet 280553, Orphanet 399058, MedGen C1837317, MONDO:0012130.
Fatal infantile hypertonic myofibrillar myopathy (MFM2B). Also called: MYOPATHY, MYOFIBRILLAR, 2B, INFANTILE-ONSET; MFM, FATAL INFANTILE HYPERTONIC, ALPHA-B CRYSTALLIN-RELATED. Identifiers: Orphanet 280553, MedGen C5190691, MONDO:0013472, OMIM 613869.
Cataract 16 multiple types. Also called: CATARACT, CONGENITAL LAMELLAR; CATARACT 16, POSTERIOR POLAR; CATARACT 16, CONGENITAL LAMELLAR. Identifiers: Orphanet 91492, Orphanet 98992, Orphanet 98993, Orphanet 98995, MedGen C3808377, MONDO:0013411, OMIM 613763.

Submissions (3):

Labcorp Genetics (formerly Invitae), Labcorp
Classification: Benign for Dilated cardiomyopathy 1II. Last evaluated: 2025-12-16. Review status: criteria provided, single submitter. Criteria: Invitae Variant Classification Sherloc (09022015). Collection method: clinical testing. Allele origin: germline.

Fulgent Genetics
Classification: Likely benign for Cataract 16 multiple types; Fatal infantile hypertonic myofibrillar myopathy; Dilated cardiomyopathy 1II. Last evaluated: 2021-08-26. Review status: criteria provided, single submitter. Criteria: ACMG Guidelines, 2015. Collection method: clinical testing. Allele origin: unknown.

GeneDx
Classification: Likely benign. Last evaluated: 2018-01-25. Review status: criteria provided, single submitter. Criteria: GeneDx Variant Classification (06012015). Collection method: clinical testing. Allele origin: germline. Affected: yes.
Comment: This variant is considered likely benign or benign based on one or more of the following criteria: it is a conservative change, it occurs at a poorly conserved position in the protein, it is predicted to be benign by multiple in silico algorithms, and/or has population frequency not consistent with disease.

NM_001289808.2(CRYAB):c.324+13dup

Gene: CRYAB (crystallin alpha B; minus strand). Cytogenetic location: 11q23.1.
Variant type: Duplication.
Coding change: c.324+13dup on transcript NM_001289808.2 (MANE Select); 13 bases into the intron after coding-DNA position 324, one base duplicated (T; older notation c.324+13dupT).
Molecular consequence: intron variant.
Genome position (GRCh38, 1-based): chr11:111,910,308, A duplicated on the plus strand (T on the coding strand, the reverse complement: CRYAB is on the minus strand); the first of 7 consecutive A bases (chr11:111,910,308-111,910,314); duplicating any one gives the same sequence. VCF-style (leftmost placement, unchanged base first): chr11-111910307-C-CA. GRCh37 (hg19) VCF-style: chr11-111781031-C-CA.
Other names: c.324+13dup (NM_001368245.1, NM_001885.3, NM_001289807.1); c.123+13dup (NM_001368246.1, NM_001330379.1); c.324+19dupT (NM_001885.1); c.324+19dup (NM_001885.3).
Identifiers: ClinVar variation 419895 (VCV000419895.10), dbSNP rs782303631, ClinGen allele CA6275520.